The following is an entry in ClinVar:

NM_000489.6(ATRX):c.546A>G (p.Gln182=)

Gene: ATRX (ATRX chromatin remodeler; minus strand). Cytogenetic location: Xq21.1.
Variant type: single nucleotide variant.
Coding change: c.546A>G on transcript NM_000489.6 (MANE Select); coding-DNA position 546, A replaced by G.
Protein change: p.Gln182=; no amino-acid change (glutamine 182 retained).
Molecular consequence: synonymous variant.
Genome position (GRCh38, 1-based): chrX:77,688,866, T>C on the plus strand (A>G on the coding strand, the complement: ATRX is on the minus strand). VCF-style: chrX-77688866-T-C. GRCh37 (hg19) VCF-style: chrX-76944359-T-C.
Other names: c.432A>G, p.Gln144= (NM_138270.5).
Identifiers: ClinVar variation 465062 (VCV000465062.17), dbSNP rs375794120, ClinGen allele CA10458298.
Genomic context (GRCh38, chrX:77,688,866, plus strand): 5'-ATCATTACATACCTTACAAATAAGAACTTGCAATGAAGGGTGTCTATAAATGGAATCTTT[T>C]TGAAAATGATTGACCTGTTGTCCACAAGCAGTGCAGCTCACAATCCCATGAAGCCCATCT-3'
Protein context (NP_000480.3, residues 172-192): TACGQQVNHF[Gln182=]KDSIYRHPSL

ClinVar aggregate classification (germline): Likely benign. Review status: criteria provided, multiple submitters, no conflicts (2 of 4 stars). 4 submissions from 4 submitters: Likely benign (4). Last evaluated 2026-06-30.

Conditions:
Alpha thalassemia-X-linked intellectual disability syndrome (ATRX). Also called: ALPHA-THALASSEMIA/MENTAL RETARDATION SYNDROME, X-LINKED; ATR, NONDELETION TYPE; X-linked alpha-thalassemia-mental retardation syndrome; ALPHA-THALASSEMIA/IMPAIRED INTELLECTUAL DEVELOPMENT SYNDROME, X-LINKED; ATR-X syndrome; Alpha thalassemia mental retardation syndrome, nondeletion type, X-linked. Identifiers: Orphanet 847, MedGen C1845055, MONDO:0010519, OMIM 301040.
Inborn genetic diseases. Identifiers: MedGen C0950123, MeSH D030342.

Allele frequency attached by ClinVar (database versions not stated): gnomAD exomes 0.00002; TOPMed 0.00015; 1000 Genomes Project 0.00026; gnomAD 0.00012; 1000 Genomes Project 30x 0.00021; ExAC 0.00005; ESP Exome Variant Server 0.00009.
gnomAD v4.1: 24 of 1,209,739 alleles (0.002%); highest among the groups gnomAD compares: African/African-American, 0.035%; no homozygotes.

Submissions (4):

Women's Health and Genetics/Laboratory Corporation of America, LabCorp
Classification: Likely benign. Last evaluated: 2026-06-30. Review status: criteria provided, single submitter. Criteria: LabCorp Variant Classification Summary - May 2015. Collection method: clinical testing. Allele origin: germline.

Labcorp Genetics (formerly Invitae), Labcorp
Classification: Likely benign for Alpha thalassemia-X-linked intellectual disability syndrome. Last evaluated: 2025-05-14. Review status: criteria provided, single submitter. Criteria: Invitae Variant Classification Sherloc (09022015). Collection method: clinical testing. Allele origin: germline.

Ambry Genetics
Classification: Likely benign for Inborn genetic diseases. Last evaluated: 2024-12-30. Review status: criteria provided, single submitter. Criteria: Ambry Variant Classification Scheme 2023. Collection method: clinical testing. Allele origin: germline.

GeneDx
Classification: Likely benign. Last evaluated: 2020-06-03. Review status: criteria provided, single submitter. Criteria: GeneDx Variant Classification Process June 2021. Collection method: clinical testing. Allele origin: germline. Affected: yes.
Comment: This variant is associated with the following publications: (PMID: 30668521)